The following is an entry in ClinVar:

ClinVar aggregate classification (germline): Likely benign. Review status: criteria provided, multiple submitters, no conflicts (2 of 4 stars). 4 submissions from 4 submitters: Likely benign (3). 1 of the submissions does not count toward it. Last evaluated 2026-01-20.

Conditions:
Epilepsy. Also called: Seizure disorder. Identifiers: MedGen C0014544, MeSH D004827, MONDO:0005027.
PIGQ-related disorder. Also called: PIGQ-related condition.
Developmental and epileptic encephalopathy, 77. Also called: GLYCOSYLPHOSPHATIDYLINOSITOL BIOSYNTHESIS DEFECT 19; MULTIPLE CONGENITAL ANOMALIES-HYPOTONIA-SEIZURES SYNDROME 4; EPILEPTIC ENCEPHALOPATHY, EARLY INFANTILE, 77. Identifiers: MedGen C5231405, MONDO:0032808, OMIM 618548.

Allele frequency attached by ClinVar (database versions not stated): TOPMed 0.00097; gnomAD exomes 0.00019 and 0.00025; ExAC 0.00025; 1000 Genomes Project 30x 0.00031; 1000 Genomes Project 0.00040; ESP Exome Variant Server 0.00077.
gnomAD v4.1: 428 of 1,608,448 alleles (0.027%); highest among the groups gnomAD compares: African/African-American, 0.29%; 1 homozygote.

Submissions (4):

Labcorp Genetics (formerly Invitae), Labcorp
Classification: Likely benign for Epilepsy. Last evaluated: 2026-01-20. Review status: criteria provided, single submitter. Criteria: Invitae Variant Classification Sherloc (09022015). Collection method: clinical testing. Allele origin: germline.

ARUP Laboratories, Molecular Genetics and Genomics, ARUP Laboratories
Classification: Likely benign for Developmental and epileptic encephalopathy, 77. Last evaluated: 2024-06-06. Review status: criteria provided, single submitter. Criteria: ARUP Molecular Germline Variant Investigation Process 2024. Collection method: clinical testing. Allele origin: germline.

Breakthrough Genomics
Classification: Likely benign. Review status: criteria provided, single submitter. Criteria: ACMG Guidelines, 2015. Collection method: not provided. Allele origin: germline. Inheritance: Autosomal recessive inheritance. Affected: yes.

PreventionGenetics, part of Exact Sciences
Classification: Likely benign for PIGQ-related condition. Last evaluated: 2024-06-17. Review status: no assertion criteria provided. Collection method: clinical testing. Allele origin: germline. Not counted in ClinVar's aggregate classification.
Comment: This variant is classified as likely benign based on ACMG/AMP sequence variant interpretation guidelines (Richards et al. 2015 PMID: 25741868, with internal and published modifications).

NM_004204.5(PIGQ):c.1615C>T (p.Arg539Cys)

Gene: PIGQ (phosphatidylinositol glycan anchor biosynthesis class Q; plus strand). Cytogenetic location: 16p13.3.
Variant type: single nucleotide variant.
Coding change: c.1615C>T on transcript NM_004204.5 (MANE Select); coding-DNA position 1615, C replaced by T.
Protein change: p.Arg539Cys; replaces arginine 539 with cysteine.
Molecular consequence: missense variant.
Genome position (GRCh38, 1-based): chr16:582,904, C>T. VCF-style: chr16-582904-C-T. GRCh37 (hg19) VCF-style: chr16-632904-C-T.
Other names: c.1553C>T, p.Pro518Leu (NM_148920.4); short protein forms R539C, P518L.
Identifiers: ClinVar variation 526292 (VCV000526292.15), dbSNP rs147312685, ClinGen allele CA7780490.